The following is an entry in ClinVar:

ClinVar aggregate classification (germline): Pathogenic. Review status: reviewed by expert panel (3 of 4 stars). 6 submissions from 6 submitters: Pathogenic (1). 5 of the submissions do not count toward it. Last evaluated 2026-09-01.
ClinVar aggregate classification (somatic clinical impact): Tier I - Strong. Review status: criteria provided, single submitter (1 of 4 stars). 2 submissions from 1 submitter. Last evaluated 2025-07-17.
ClinVar aggregate classification (oncogenicity): Oncogenic (1 of 4 stars; one submission).

Conditions:
Supratentorial primitive neuroectodermal tumor. Identifiers: MedGen C1336538, MONDO:0003145.
DICER1-related tumor predisposition. Also called: DICER1 syndrome; DICER1-related pleuropulmonary blastoma cancer predisposition syndrome. Identifiers: Orphanet 284343, MedGen C3839822, MONDO:0100216.
Global developmental delay - lung cysts - overgrowth - Wilms tumor syndrome. Also called: GLOW Syndrome; GLOBAL DEVELOPMENTAL DELAY, LUNG CYSTS, OVERGROWTH, AND WILMS TUMOR. Identifiers: Orphanet 404476, MedGen C4748924, MONDO:0018445, OMIM 618272.
Hereditary cancer-predisposing syndrome. Also called: Hereditary neoplastic syndrome; Hereditary Cancer Syndrome; Tumor predisposition; Neoplastic Syndromes, Hereditary. Identifiers: Orphanet 140162, MedGen C0027672, MeSH D009386, MONDO:0015356.
Embryonal rhabdomyosarcoma (ERMS). Also called: Botryoid rhabdomyosarcoma (type of ERMS); Spindle cell rhabdomyosarcomas (type of ERMS). Identifiers: Orphanet 99757, MedGen C0206656, MONDO:0009993, HP:0006743.
Pleuropulmonary blastoma (PPB). Identifiers: Orphanet 64742, MedGen C1266144, MONDO:0011014, OMIM 601200, HP:0100528.
Neoplasm. Also called: Neoplasms; Neoplasm (disease); tumor. Identifiers: MedGen C0027651, MeSH D009369, MONDO:0005070, HP:0002664.

Submissions (9):

ClinGen DICER1 and miRNA-Processing Gene Variant Curation Expert Panel, ClinGen
Classification: Pathogenic for DICER1-related tumor predisposition. Last evaluated: 2026-09-01. Review status: reviewed by expert panel. Criteria: ClinGen DICER1 and miRNA-Processing Gene Expert Panel Specifications to the ACMG/AMP Variant Interpretation Guidelines for DICER1 Version 1.4. Collection method: curation. Allele origin: germline. Inheritance: Autosomal dominant inheritance.
Comment: The NM_177438.2:c.5425G>A variant in DICER1 is a missense variant predicted to cause substitution of glycine by arginine at amino acid 1809 (p.Gly1809Arg). This variant has been identified as a de novo occurrence with somatic mosaicism in 1 individual with lung cysts, pleuropulmonary blastoma, and multinodular goiter (PS4_Supporting, PS2; PMID: 26475046, 34544839). This variant is absent from gnomAD v4.1.0 (PM2_Supporting). An in vitro cleavage assay carried out using immunopurified DICER1 variant p.Gly1809Arg showed that this variant reduces the capacity of the protein to produce 5p microRNAs from a pre-miRNA, indicating that this variant impacts protein function (PS3_Supporting; PMID: 25190313, 26033159). In silico tools predict damaging impact of the variant on protein function (REVEL: 0.852) (PP3). This variant resides in the p.G1809 metal ion-binding residue located in the RNase IIIb domain of DICER1, that is defined as a mutational hotspot and critical functional domain by the ClinGen DICER1 VCEP (PM1; PMID: 31342592). In summary, this variant meets the criteria to be classified as Pathogenic for DICER1-related tumor predisposition based on the ACMG/AMP criteria applied, as specified by the ClinGen DICER1 VCEP: PS2, PS4_Supporting, PM2_Supporting, PS3_Supporting, PP3, PM1. (VCEP specifications version 1.4.0) Based on Tavtigian et al 2020 (PMID:32720330), the total points applied = 10, which equates to a classification of Pathogenic.

Ambry Genetics
Classification: Uncertain significance for Hereditary cancer-predisposing syndrome. Last evaluated: 2025-07-23. Review status: criteria provided, single submitter. Criteria: Ambry Variant Classification Scheme 2023. Collection method: clinical testing. Allele origin: germline. Not counted in ClinVar's aggregate classification.
Comment: The p.G1809R variant (also known as c.5425G>A), located in coding exon 24 of the DICER1 gene, results from a G to A substitution at nucleotide position 5425. The glycine at codon 1809 is replaced by arginine, an amino acid with dissimilar properties. This amino acid position is highly conserved in available vertebrate species. In addition, this alteration is predicted to be deleterious by in silico analysis. Based on the available evidence, the clinical significance of this variant remains unclear.

Institute for Genomic Medicine (IGM) Clinical Laboratory, Nationwide Children's Hospital
Classification: Tier I - Strong for Pleuropulmonary blastoma. Assertion type: diagnostic. Clinical significance: supports diagnosis. Last evaluated: 2025-07-17. Review status: criteria provided, single submitter. Criteria: AMP/ASCO/CAP Guidelines, 2017. Collection method: clinical testing. Allele origin: somatic. Affected: yes.
Comment: Variant has Tier I (strong) clinical significance as a diagnostic inclusion criterion in pleuropulmonary blastoma, based on the following evidence: 1) Documented in one or more cancer databases (e.g., St. Jude Pecan, COSMIC, CIViC, OncoKB). 2) Appears in one or more well-established professional guidelines (e.g., World Health Organization [WHO]; National Comprehensive Cancer Network [NCCN]) as providing diagnostic, prognostic, or therapeutic information. 3) Information in the literature supports potential biologic effect of variant (PMIDs: 24909177, 24675358, 25190313, 26033159). 4) Diagnostic for a specific tumor type/classification according to professional guidelines (Evidence Level A; PMIDs: 23868280, 24675358, 24909177, 26925222, 31603374).

Labcorp Genetics (formerly Invitae), Labcorp
Classification: Uncertain significance for DICER1-related tumor predisposition. Last evaluated: 2025-07-11. Review status: criteria provided, single submitter. Criteria: Invitae Variant Classification Sherloc (09022015). Collection method: clinical testing. Allele origin: germline. Not counted in ClinVar's aggregate classification.
Comment: This sequence change replaces glycine, which is neutral and non-polar, with arginine, which is basic and polar, at codon 1809 of the DICER1 protein (p.Gly1809Arg). This variant is not present in population databases (gnomAD no frequency). This variant has not been reported in the literature in individuals affected with DICER1-related conditions. ClinVar contains an entry for this variant (Variation ID: 661301). Invitae Evidence Modeling of protein sequence and biophysical properties (such as structural, functional, and spatial information, amino acid conservation, physicochemical variation, residue mobility, and thermodynamic stability) indicates that this missense variant is expected to disrupt DICER1 protein function with a positive predictive value of 95%. Experimental studies have shown that this missense change affects DICER1 function (PMID: 25190313, 26033159). In summary, the available evidence is currently insufficient to determine the role of this variant in disease. Therefore, it has been classified as a Variant of Uncertain Significance.

Center for Genomic Medicine, Rigshospitalet, Copenhagen University Hospital
Classification: Oncogenic for Neoplasm. Last evaluated: 2025-03-04. Review status: criteria provided, single submitter. Criteria: ClinGen/CGC/VICC Guidelines for Oncogenicity, 2022. Collection method: clinical testing. Allele origin: somatic. Affected: yes.

Baylor Genetics
Classification: Pathogenic for Global developmental delay - lung cysts - overgrowth - Wilms tumor syndrome. Last evaluated: 2023-10-25. Review status: criteria provided, single submitter. Criteria: ACMG Guidelines, 2015. Collection method: clinical testing. Allele origin: unknown. Not counted in ClinVar's aggregate classification.

Institute for Genomic Medicine (IGM) Clinical Laboratory, Nationwide Children's Hospital
Classification: Tier I - Strong for Embryonal rhabdomyosarcoma. Assertion type: diagnostic. Clinical significance: supports diagnosis. Last evaluated: 2023-05-19. Review status: criteria provided, single submitter. Criteria: AMP/ASCO/CAP Guidelines, 2017. Collection method: clinical testing. Allele origin: somatic. Affected: yes.
Comment: Variant has Tier I (strong) clinical significance as a diagnostic inclusion criterion in embryonal rhabdomyosarcoma, based on the following evidence: 1) Documented in one or more cancer databases (e.g., St. Jude Pecan, COSMIC, CIViC, OncoKB). 2) Appears in one or more well-established professional guidelines (e.g., World Health Organization [WHO]; National Comprehensive Cancer Network [NCCN]) as providing diagnostic, prognostic, or therapeutic information. 3) Information in the literature supports potential biologic effect of variant (PMID: 26033159). 4) Diagnostic for a specific tumor type/classification based on well-powered studies with expert-level consensus (Evidence Level B).

Foulkes Cancer Genetics LDI, Lady Davis Institute for Medical Research
Classification: Pathogenic for Pleuropulmonary blastoma. Last evaluated: 2019-07-01. Review status: criteria provided, single submitter. Criteria: ACMG Guidelines, 2015. Collection method: curation. Allele origin: somatic, de novo, unknown. Affected: yes. Observed: 52 variant alleles. Not counted in ClinVar's aggregate classification.
Comment: ACMG criteria met: PS2, PS3, PM1, PM2, PP4

Pediatric Oncology, Johns Hopkins University
Classification: Likely pathogenic for PNET. Last evaluated: 2020-08-07. Review status: no assertion criteria provided. Collection method: clinical testing. Allele origin: somatic. Inheritance: Somatic mutation. Affected: yes. Observed: 1 heterozygote. Not counted in ClinVar's aggregate classification.
Comment: This DICER1 mutation causes a missense mutation, G1809R, in the RNaseIIIb domain of the protein, a known hotspot for DICER1 mutations (Foulkes 2014). Thus, this G1809R mutation would be consistent with a pathogenic somatic second hit mutation in the tumor.

Literature cited by the submitters: PubMed 24909177 (cited by Institute for Genomic Medicine (IGM) Clinical Laboratory, Nationwide Children's Hospital and Foulkes Cancer Genetics LDI, Lady Davis Institute for Medical Research); PubMed 24675358 (cited by Institute for Genomic Medicine (IGM) Clinical Laboratory, Nationwide Children's Hospital and Foulkes Cancer Genetics LDI, Lady Davis Institute for Medical Research); PubMed 25190313 (cited by Institute for Genomic Medicine (IGM) Clinical Laboratory, Nationwide Children's Hospital and Labcorp Genetics (formerly Invitae), Labcorp); PubMed 26033159 (cited by 4 submitters); PubMed 23868280 (cited by Institute for Genomic Medicine (IGM) Clinical Laboratory, Nationwide Children's Hospital); PubMed 26925222 (cited by Institute for Genomic Medicine (IGM) Clinical Laboratory, Nationwide Children's Hospital and Foulkes Cancer Genetics LDI, Lady Davis Institute for Medical Research); PubMed 31603374 (cited by Institute for Genomic Medicine (IGM) Clinical Laboratory, Nationwide Children's Hospital); PubMed 26475046 (cited by Foulkes Cancer Genetics LDI, Lady Davis Institute for Medical Research); PubMed 21882293 (cited by Foulkes Cancer Genetics LDI, Lady Davis Institute for Medical Research); PubMed 24513630 (cited by Foulkes Cancer Genetics LDI, Lady Davis Institute for Medical Research); PubMed 25356068 (cited by Foulkes Cancer Genetics LDI, Lady Davis Institute for Medical Research); PubMed 24617712 (cited by Foulkes Cancer Genetics LDI, Lady Davis Institute for Medical Research); PubMed 24481001 (cited by Foulkes Cancer Genetics LDI, Lady Davis Institute for Medical Research); PubMed 27459524 (cited by Foulkes Cancer Genetics LDI, Lady Davis Institute for Medical Research); PubMed 25836323 (cited by Foulkes Cancer Genetics LDI, Lady Davis Institute for Medical Research); PubMed 26555935 (cited by Foulkes Cancer Genetics LDI, Lady Davis Institute for Medical Research); PubMed 26556299 (cited by Foulkes Cancer Genetics LDI, Lady Davis Institute for Medical Research); PubMed 26841698 (cited by Foulkes Cancer Genetics LDI, Lady Davis Institute for Medical Research); PubMed 27126690 (cited by Foulkes Cancer Genetics LDI, Lady Davis Institute for Medical Research); PubMed 26928971 (cited by Foulkes Cancer Genetics LDI, Lady Davis Institute for Medical Research); PubMed 28222777 (cited by Foulkes Cancer Genetics LDI, Lady Davis Institute for Medical Research); PubMed 28177962 (cited by Foulkes Cancer Genetics LDI, Lady Davis Institute for Medical Research); PubMed 28862265 (cited by Foulkes Cancer Genetics LDI, Lady Davis Institute for Medical Research); PubMed 29315962 (cited by Foulkes Cancer Genetics LDI, Lady Davis Institute for Medical Research); PubMed 29881993 (cited by Foulkes Cancer Genetics LDI, Lady Davis Institute for Medical Research); PubMed 30014022 (cited by Foulkes Cancer Genetics LDI, Lady Davis Institute for Medical Research); PubMed 30266945 (cited by Foulkes Cancer Genetics LDI, Lady Davis Institute for Medical Research); PubMed 30649606 (cited by Foulkes Cancer Genetics LDI, Lady Davis Institute for Medical Research).

NM_177438.3(DICER1):c.5425G>A (p.Gly1809Arg)

Gene: DICER1 (dicer 1, ribonuclease III; minus strand). Cytogenetic location: 14q32.13.
Variant type: single nucleotide variant.
Coding change: c.5425G>A on transcript NM_177438.3 (MANE Select); coding-DNA position 5425, G replaced by A.
Protein change: p.Gly1809Arg; replaces glycine 1809 with arginine.
Molecular consequence: missense variant. On other transcripts: intron variant (1).
Genome position (GRCh38, 1-based): chr14:95,091,305, C>T on the plus strand (G>A on the coding strand, the complement: DICER1 is on the minus strand). VCF-style: chr14-95091305-C-T. GRCh37 (hg19) VCF-style: chr14-95557642-C-T.
Other names: NM_177438.3(DICER1):c.5425G>A; p.Gly1809Arg; c.5425G>A, p.Gly1809Arg (NM_001271282.3, NM_001291628.2, NM_030621.4); c.5365-196G>A (NM_001195573.1); short protein forms G1809R.
Identifiers: ClinVar variation 661301 (VCV000661301.20), dbSNP rs1595314951, ClinGen allele CA390864683.